The following is an entry in ClinVar:

ClinVar aggregate classification (germline): Pathogenic (0 of 4 stars; one submission).

Conditions:
Fanconi anemia complementation group A (FANCA). Also called: Fanconi anemia, group A; FANCA-Related Fanconi Anemia. Identifiers: Orphanet 84, MedGen C3469521, MONDO:0009215, OMIM 227650.

Submission:

Leiden Open Variation Database
Classification: Pathogenic for Fanconi anemia complementation group A. Last evaluated: 2020-02-28. Review status: no assertion criteria provided. Collection method: curation. Allele origin: germline. Affected: yes.
Comment: Curator: Arleen D. Auerbach. Submitter to LOVD: Arleen D. Auerbach.

Literature cited by the submitters: PubMed 10094191.

NM_000135.4(FANCA):c.3760G>T (p.Glu1254Ter)

Gene: FANCA (FA complementation group A; minus strand). Cytogenetic location: 16q24.3.
Variant type: single nucleotide variant.
Coding change: c.3760G>T on transcript NM_000135.4 (MANE Select); coding-DNA position 3760, G replaced by T.
Protein change: p.Glu1254Ter; replaces glutamic acid 1254 with a stop codon.
Molecular consequence: nonsense.
Genome position (GRCh38, 1-based): chr16:89,742,805, C>A on the plus strand (G>T on the coding strand, the complement: FANCA is on the minus strand). VCF-style: chr16-89742805-C-A. GRCh37 (hg19) VCF-style: chr16-89809213-C-A.
Other names: c.3760G>T, p.Glu1254Ter (NM_001286167.3); short protein forms E1254*.
Identifiers: ClinVar variation 974261 (VCV000974261.1), dbSNP rs375700263, ClinGen allele CA397485281.
Genomic context (GRCh38, chr16:89,742,805, plus strand): 5'-TGATTGAAACCAAGCTTGCGAGAAAATAAATCAGTAAAAGAATTTCCTATCTTGCCTCCT[C>A]TCTCTCGCAGTCCAGCTTCTTTAGCTGCTTCCTGATGTTTTCTTCCCTGACTTGTTGAAT-3'